The following is an entry in ClinVar:

NM_001009944.3(PKD1):c.9909C>T (p.Gly3303=)

Gene: PKD1 (polycystin 1, transient receptor potential channel interacting; minus strand). Cytogenetic location: 16p13.3.
Variant type: single nucleotide variant.
Coding change: c.9909C>T on transcript NM_001009944.3 (MANE Select); coding-DNA position 9909, C replaced by T.
Protein change: p.Gly3303=; no amino-acid change (glycine 3303 retained).
Molecular consequence: synonymous variant.
Genome position (GRCh38, 1-based): chr16:2,099,875, G>A on the plus strand (C>T on the coding strand, the complement: PKD1 is on the minus strand). VCF-style: chr16-2099875-G-A. GRCh37 (hg19) VCF-style: chr16-2149876-G-A.
Other names: c.9909C>T, p.Gly3303= (NM_000296.4).
Identifiers: ClinVar variation 3351657 (VCV003351657.1).

ClinVar aggregate classification (germline): Likely benign (0 of 4 stars; one submission).

Conditions:
PKD1-related disorder. Also called: PKD1-related condition.

gnomAD v4.1: 77 of 1,566,984 alleles (0.0049%); highest among the groups gnomAD compares: South Asian, 0.068%; 2 homozygotes.

Submission:

PreventionGenetics, part of Exact Sciences
Classification: Likely benign for PKD1-related condition. Last evaluated: 2024-04-03. Review status: no assertion criteria provided. Collection method: clinical testing. Allele origin: germline.
Comment: This variant is classified as likely benign based on ACMG/AMP sequence variant interpretation guidelines (Richards et al. 2015 PMID: 25741868, with internal and published modifications).